The following is an entry in ClinVar:

ClinVar aggregate classification (germline): Uncertain significance (1 of 4 stars; one submission).

Conditions:
Primary ciliary dyskinesia. Also called: Ciliary dyskinesia. Identifiers: Orphanet 244, MedGen C0008780, MONDO:0016575, HP:0012265.

Submission:

Labcorp Genetics (formerly Invitae), Labcorp
Classification: Uncertain significance for Primary ciliary dyskinesia. Last evaluated: 2022-05-07. Review status: criteria provided, single submitter. Criteria: Invitae Variant Classification Sherloc (09022015). Collection method: clinical testing. Allele origin: germline.
Comment: This variant is not present in population databases (gnomAD no frequency). In summary, the available evidence is currently insufficient to determine the role of this variant in disease. Therefore, it has been classified as a Variant of Uncertain Significance. Algorithms developed to predict the effect of missense changes on protein structure and function are either unavailable or do not agree on the potential impact of this missense change (SIFT: "Deleterious"; PolyPhen-2: "Not Available"; Align-GVGD: "Class C0"). This variant has not been reported in the literature in individuals affected with DNAH8-related conditions. This sequence change replaces valine, which is neutral and non-polar, with aspartic acid, which is acidic and polar, at codon 2557 of the DNAH8 protein (p.Val2557Asp).

NM_001206927.2(DNAH8):c.7670T>A (p.Val2557Asp)

Gene: DNAH8 (dynein axonemal heavy chain 8; plus strand). Cytogenetic location: 6p21.2.
Variant type: single nucleotide variant.
Coding change: c.7670T>A on transcript NM_001206927.2 (MANE Select); coding-DNA position 7670, T replaced by A.
Protein change: p.Val2557Asp; replaces valine 2557 with aspartic acid.
Molecular consequence: missense variant.
Genome position (GRCh38, 1-based): chr6:38,875,640, T>A. VCF-style: chr6-38875640-T-A. GRCh37 (hg19) VCF-style: chr6-38843416-T-A.
Other names: c.7019T>A, p.Val2340Asp (NM_001371.4); short protein forms V2557D, V2340D.
Identifiers: ClinVar variation 2155621 (VCV002155621.4), dbSNP rs2533136229, ClinGen allele CA364029054.